The following is an entry in ClinVar:

NM_004218.4(RAB11B):c.329G>A (p.Arg110Gln)

Gene: RAB11B (RAB11B, member RAS oncogene family; plus strand). Cytogenetic location: 19p13.2.
Variant type: single nucleotide variant.
Coding change: c.329G>A on transcript NM_004218.4 (MANE Select); coding-DNA position 329, G replaced by A.
Protein change: p.Arg110Gln; replaces arginine 110 with glutamine.
Molecular consequence: missense variant.
Genome position (GRCh38, 1-based): chr19:8,402,178, G>A. VCF-style: chr19-8402178-G-A. GRCh37 (hg19) VCF-style: chr19-8467062-G-A.
Other names: short protein forms R110Q.
Identifiers: ClinVar variation 3623383 (VCV003623383.2).
Genomic context (GRCh38, chr19:8,402,178, plus strand): 5'-TGTACGACATCGCCAAGCACCTGACCTATGAGAACGTGGAGCGCTGGCTGAAGGAGCTGC[G>A]GGACCACGCAGACAGCAACATCGTCATCATGCTGGTGGGCAACAAGAGTGACCTGCGCCA-3'
Protein context (NP_004209.2, residues 100-120): ENVERWLKEL[Arg110Gln]DHADSNIVIM

ClinVar aggregate classification (germline): Uncertain significance (1 of 4 stars; one submission).

gnomAD v4.1: 7 of 1,600,764 alleles (0.00044%); highest among the groups gnomAD compares: South Asian, 0.0011%; 1 homozygote.

Submission:

Labcorp Genetics (formerly Invitae), Labcorp
Classification: Uncertain significance. Last evaluated: 2025-06-10. Review status: criteria provided, single submitter. Criteria: Invitae Variant Classification Sherloc (09022015). Collection method: clinical testing. Allele origin: germline.
Comment: This sequence change replaces arginine, which is basic and polar, with glutamine, which is neutral and polar, at codon 110 of the RAB11B protein (p.Arg110Gln). This variant is not present in population databases (gnomAD no frequency). This variant has not been reported in the literature in individuals affected with RAB11B-related conditions. ClinVar contains an entry for this variant (Variation ID: 3623383). An algorithm developed to predict the effect of missense changes on protein structure and function (PolyPhen-2) suggests that this variant is likely to be tolerated. In summary, the available evidence is currently insufficient to determine the role of this variant in disease. Therefore, it has been classified as a Variant of Uncertain Significance.